The following is an entry in ClinVar:

ClinVar aggregate classification (germline): Pathogenic (1 of 4 stars; one submission).

Conditions:
Hereditary breast ovarian cancer syndrome. Also called: Hereditary breast and ovarian cancer syndrome (HBOC); Hereditary breast and/or ovarian cancer syndrome; Hereditary breast and ovarian cancer; BRCA1- and BRCA2-Associated Hereditary Breast and Ovarian Cancer; Hereditary breast and ovarian cancer syndrome; Breast and ovarian cancer. Identifiers: Orphanet 145, MedGen C0677776, MeSH D061325, MONDO:0003582. Disease mechanism: loss of function.

Submission:

Labcorp Genetics (formerly Invitae), Labcorp
Classification: Pathogenic for Hereditary breast ovarian cancer syndrome. Last evaluated: 2022-09-14. Review status: criteria provided, single submitter. Criteria: Invitae Variant Classification Sherloc (09022015). Collection method: clinical testing. Allele origin: germline.
Comment: This sequence change creates a premature translational stop signal (p.Gln2829Thrfs*16) in the BRCA2 gene. It is expected to result in an absent or disrupted protein product. Loss-of-function variants in BRCA2 are known to be pathogenic (PMID: 20104584). This variant is not present in population databases (gnomAD no frequency). For these reasons, this variant has been classified as Pathogenic. ClinVar contains an entry for this variant (Variation ID: 1071938). This variant has not been reported in the literature in individuals affected with BRCA2-related conditions.

Literature cited by the submitters: PubMed 20104584.

NM_000059.4(BRCA2):c.8484dup (p.Gln2829fs)

Gene: BRCA2 (BRCA2 DNA repair associated; plus strand). Cytogenetic location: 13q13.1.
Variant type: Duplication.
Coding change: c.8484dup on transcript NM_000059.4 (MANE Select); coding-DNA position 8484, one base duplicated (A; older notation c.8484dupA).
Protein change: p.Gln2829fs; shifts the reading frame from glutamine 2829.
Molecular consequence: frameshift variant.
Genome position (GRCh38, 1-based): chr13:32,370,554, A duplicated. VCF-style (leftmost placement, unchanged base first): chr13-32370553-T-TA. GRCh37 (hg19) VCF-style: chr13-32944690-T-TA.
Other names: short protein forms Q2829fs.
Identifiers: ClinVar variation 1071938 (VCV001071938.7), dbSNP rs2137598136, ClinGen allele CA2499222334.